The following is an entry in ClinVar:

ClinVar aggregate classification (germline): Uncertain significance (1 of 4 stars; one submission).

Conditions:
Hereditary cancer-predisposing syndrome. Also called: Hereditary neoplastic syndrome; Neoplastic Syndromes, Hereditary; Tumor predisposition; Hereditary Cancer Syndrome. Identifiers: Orphanet 140162, MedGen C0027672, MeSH D009386, MONDO:0015356.

Submission:

Ambry Genetics
Classification: Uncertain significance for Hereditary cancer-predisposing syndrome. Last evaluated: 2025-08-27. Review status: criteria provided, single submitter. Criteria: Ambry Variant Classification Scheme 2023. Collection method: clinical testing. Allele origin: germline.
Comment: The p.E118V variant (also known as c.353A>T), located in coding exon 4 of the MUTYH gene, results from an A to T substitution at nucleotide position 353. The glutamic acid at codon 118 is replaced by valine, an amino acid with dissimilar properties. This amino acid position is conserved. In addition, this alteration is predicted to be tolerated by in silico analysis. Based on the available evidence, the clinical significance of this variant remains unclear.

NM_001048174.2(MUTYH):c.269A>T (p.Glu90Val)

Gene: MUTYH (mutY DNA glycosylase; minus strand). Cytogenetic location: 1p34.1.
Variant type: single nucleotide variant.
Coding change: c.269A>T on transcript NM_001048174.2 (MANE Select); coding-DNA position 269, A replaced by T.
Protein change: p.Glu90Val; replaces glutamic acid 90 with valine.
Molecular consequence: missense variant. On other transcripts: 5 prime UTR variant (6), non-coding transcript variant (7).
Genome position (GRCh38, 1-based): chr1:45,333,320, T>A on the plus strand (A>T on the coding strand, the complement: MUTYH is on the minus strand). VCF-style: chr1-45333320-T-A. GRCh37 (hg19) VCF-style: chr1-45798992-T-A.
Other names: c.314A>T, p.Glu105Val (NM_001293190.2); c.302A>T, p.Glu101Val (NM_001293191.2, NM_001407077.1); c.-8A>T (NM_001293192.2, NM_001293196.2, NM_001407091.1); c.269A>T, p.Glu90Val (NM_001293195.2, NM_001407070.1, NM_001407072.1 and 6 more transcripts); c.-3A>T (NM_001350650.2, NM_001350651.2, NM_001407082.1); c.344A>T, p.Glu115Val (NM_001407069.1, NM_012222.3); c.272A>T, p.Glu91Val (NM_001407071.1, NM_001048172.2, NM_001407078.1 and 2 more transcripts); c.311A>T, p.Glu104Val (NM_001407073.1, NM_001407083.1, NM_001407085.1); and 3 more; short protein forms E101V, E118V, E62V, E90V, E97V, E115V, E91V, E104V.
Identifiers: ClinVar variation 4113616 (VCV004113616.1).